The following is an entry in ClinVar:

NM_001267550.2(TTN):c.41330-7T>A

Gene: TTN (titin; minus strand). Cytogenetic location: 2q31.2.
Variant type: single nucleotide variant.
Coding change: c.41330-7T>A on transcript NM_001267550.2 (MANE Select); 7 bases into the intron before coding-DNA position 41330, T replaced by A.
Molecular consequence: intron variant.
Genome position (GRCh38, 1-based): chr2:178,636,248, A>T on the plus strand (T>A on the coding strand, the complement: TTN is on the minus strand). VCF-style: chr2-178636248-A-T. GRCh37 (hg19) VCF-style: chr2-179500975-A-T.
Other names: c.14135-7T>A (NM_003319.4); c.14711-7T>A (NM_133437.4); c.14510-7T>A (NM_133432.3); c.33626-7T>A (NM_133378.4); c.36407-7T>A (NM_001256850.1).
Identifiers: ClinVar variation 137789 (VCV000137789.95), dbSNP rs373636988, ClinGen allele CA291451.

ClinVar aggregate classification (germline): Conflicting classifications of pathogenicity. Review status: criteria provided, conflicting classifications (1 of 4 stars). 18 submissions from 14 submitters: Uncertain significance (5); Benign (3); Likely benign (6). 4 of the submissions do not count toward it. Last evaluated 2026-01-27.

Conditions:
TTN-related disorder. Also called: TTN-related disorders; TTN-related condition; TTN-related disease.
Dilated cardiomyopathy 1G (CMD1G). Identifiers: Orphanet 154, MedGen C1858763, MONDO:0011400, OMIM 604145.
Autosomal recessive limb-girdle muscular dystrophy type 2J (LGMDR10). Also called: Limb-girdle muscular dystrophy, type 2J; MUSCULAR DYSTROPHY, LIMB-GIRDLE, AUTOSOMAL RECESSIVE 10. Identifiers: Orphanet 140922, MedGen C1837342, MONDO:0012127, OMIM 608807.
Cardiomyopathy (CMYO). Also called: Cardiomyopathies. Identifiers: Orphanet 167848, MedGen C0878544, MONDO:0004994, HP:0001638. Inheritance: Various modes of inheritance.
Early-onset myopathy with fatal cardiomyopathy (CMYO5). Also called: Salih Myopathy; CONGENITAL MYOPATHY 5 WITH CARDIOMYOPATHY. Identifiers: Orphanet 289377, MedGen C2673677, MONDO:0012714, OMIM 611705. Disease mechanism: loss of function.
Myopathy, myofibrillar, 9, with early respiratory failure (MFM9). Also called: Hereditary myopathy with early respiratory failure; MYOPATHY, PROXIMAL, WITH EARLY RESPIRATORY MUSCLE INVOLVEMENT; Myopathy, distal, with early respiratory failure, autosomal dominant; EDSTROM MYOPATHY. Identifiers: Orphanet 178464, Orphanet 34521, MedGen C1863599, MONDO:0011362, OMIM 603689.
Tibial muscular dystrophy (TMD). Also called: UDD MYOPATHY; Tibial muscular dystrophy, tardive; Udd Distal Myopathy – Tibial Muscular Dystrophy. Identifiers: Orphanet 609, MedGen C1838244, MONDO:0010870, OMIM 600334.
Hypertrophic cardiomyopathy. Also called: HYPERTROPHIC MYOCARDIOPATHY. Identifiers: Orphanet 217569, MedGen C0007194, MeSH D002312, MONDO:0005045, HP:0001639.

Allele frequency attached by ClinVar (database versions not stated): ESP Exome Variant Server 0.00025; ExAC 0.00043; gnomAD exomes 0.00051 and 0.00032; 1000 Genomes Project 30x 0.00031; TOPMed 0.00036; 1000 Genomes Project 0.00020; gnomAD 0.00027.
gnomAD v4.1: 743 of 1,529,020 alleles (0.049%); highest among the groups gnomAD compares: Middle Eastern, 0.07%; 2 homozygotes.

Submissions (19):

Labcorp Genetics (formerly Invitae), Labcorp
Classification: Likely benign for Dilated cardiomyopathy 1G; Autosomal recessive limb-girdle muscular dystrophy type 2J. Last evaluated: 2026-01-27. Review status: criteria provided, single submitter. Criteria: Invitae Variant Classification Sherloc (09022015). Collection method: clinical testing. Allele origin: germline.

Women's Health and Genetics/Laboratory Corporation of America, LabCorp
Classification: Likely benign. Last evaluated: 2026-01-19. Review status: criteria provided, single submitter. Criteria: LabCorp Variant Classification Summary - May 2015. Collection method: clinical testing. Allele origin: germline.
Comment: Variant summary: TTN c.33626-7T>A alters a nucleotide located at a position not widely known to affect splicing. Several computational tools predict a significant impact on normal splicing: Two predict the variant abolishes a 3 acceptor site. One predict the variant weakens a 3 acceptor site. However, these predictions have yet to be confirmed by functional studies. The variant allele was found at a frequency of 0.00032 in 153984 control chromosomes, predominantly at a frequency of 0.00055 within the Non-Finnish European subpopulation in the gnomAD database. c.33626-7T>A has been observed in two individuals from a Danish Cohort, with a predicted DCM phenotype (Vissing_2021). This report does not provide unequivocal conclusions about association of the variant with Cardiomyopathy. To our knowledge, no experimental evidence demonstrating an impact on protein function has been reported. The following publication has been ascertained in the context of this evaluation (PMID: 33106378). ClinVar contains an entry for this variant (Variation ID: 137789). Based on the evidence outlined above, the variant was classified as likely benign.

Molecular Diagnostic Laboratory for Inherited Cardiovascular Disease, Montreal Heart Institute
Classification: Likely benign. Last evaluated: 2025-04-09. Review status: criteria provided, single submitter. Criteria: ACMG Guidelines, 2015. Collection method: clinical testing. Allele origin: germline. Affected: no.

Blueprint Genetics
Classification: Likely benign. Last evaluated: 2024-11-18. Review status: criteria provided, single submitter. Criteria: ACMG Guidelines, 2015. Collection method: clinical testing. Allele origin: germline.

CeGaT Center for Human Genetics Tuebingen
Classification: Uncertain significance. Last evaluated: 2024-08-01. Review status: criteria provided, single submitter. Criteria: CeGaT Center For Human Genetics Tuebingen Variant Classification Criteria Version 2. Collection method: clinical testing. Allele origin: germline. Affected: yes. Observed: 4 variant alleles.
Comment: TTN: PM2, BP4

CHEO Genetics Diagnostic Laboratory, Children's Hospital of Eastern Ontario
Classification: Likely benign for Cardiomyopathy. Last evaluated: 2022-10-25. Review status: criteria provided, single submitter. Criteria: ACMG Guidelines, 2015. Collection method: clinical testing. Allele origin: germline.

Center for Advanced Laboratory Medicine, UC San Diego Health, University of California San Diego
Classification: Likely benign for Hypertrophic cardiomyopathy. Last evaluated: 2018-12-24. Review status: criteria provided, single submitter. Criteria: ACMG Guidelines, 2015. Collection method: clinical testing. Allele origin: germline. Affected: yes. Observed: 2 variant alleles.

Illumina Laboratory Services, Illumina
Classification: Uncertain significance for Early-onset myopathy with fatal cardiomyopathy. Last evaluated: 2018-01-13. Review status: criteria provided, single submitter. Criteria: ICSL Variant Classification Criteria 13 December 2019. Collection method: clinical testing. Allele origin: germline.

Illumina Laboratory Services, Illumina
Classification: Benign for Tibial muscular dystrophy. Last evaluated: 2018-01-13. Review status: criteria provided, single submitter. Criteria: ICSL Variant Classification Criteria 13 December 2019. Collection method: clinical testing. Allele origin: germline.
Comment: This variant was observed in the ICSL laboratory as part of a predisposition screen in an ostensibly healthy population. It had not been previously curated by ICSL or reported in the Human Gene Mutation Database (HGMD: prior to June 1st, 2018), and was therefore a candidate for classification through an automated scoring system. Utilizing variant allele frequency, disease prevalence and penetrance estimates, and inheritance mode, an automated score was calculated to assess if this variant is too frequent to cause the disease. Based on the score and internal cut-off values, a variant classified as benign is not then subjected to further curation. The score for this variant resulted in a classification of benign for this disease.

Illumina Laboratory Services, Illumina
Classification: Uncertain significance for Autosomal recessive limb-girdle muscular dystrophy type 2J. Last evaluated: 2018-01-13. Review status: criteria provided, single submitter. Criteria: ICSL Variant Classification Criteria 13 December 2019. Collection method: clinical testing. Allele origin: germline.

Illumina Laboratory Services, Illumina
Classification: Uncertain significance for Dilated cardiomyopathy 1G. Last evaluated: 2018-01-13. Review status: criteria provided, single submitter. Criteria: ICSL Variant Classification Criteria 13 December 2019. Collection method: clinical testing. Allele origin: germline.

Illumina Laboratory Services, Illumina
Classification: Benign for Myopathy, myofibrillar, 9, with early respiratory failure. Last evaluated: 2018-01-13. Review status: criteria provided, single submitter. Criteria: ICSL Variant Classification Criteria 13 December 2019. Collection method: clinical testing. Allele origin: germline.
Comment: the same text as in the submission from Illumina Laboratory Services, Illumina above.

Eurofins Ntd Llc (ga)
Classification: Uncertain significance. Last evaluated: 2017-12-22. Review status: criteria provided, single submitter. Criteria: EGL Classification Definitions 2015. Collection method: clinical testing. Allele origin: germline. Observed: 10 variant alleles, 10 heterozygotes.

GeneDx
Classification: Benign. Last evaluated: 2013-06-11. Review status: criteria provided, single submitter. Criteria: GeneDx Variant Classification (06012015). Collection method: clinical testing. Allele origin: germline. Affected: yes.
Comment: This variant is considered likely benign or benign based on one or more of the following criteria: it is a conservative change, it occurs at a poorly conserved position in the protein, it is predicted to be benign by multiple in silico algorithms, and/or has population frequency not consistent with disease.

PreventionGenetics, part of Exact Sciences
Classification: Likely benign for TTN-related condition. Last evaluated: 2019-12-10. Review status: no assertion criteria provided. Collection method: clinical testing. Allele origin: germline. Not counted in ClinVar's aggregate classification.
Comment: This variant is classified as likely benign based on ACMG/AMP sequence variant interpretation guidelines (Richards et al. 2015 PMID: 25741868, with internal and published modifications).

Clinical Genetics DNA and cytogenetics Diagnostics Lab, Erasmus MC, Erasmus Medical Center
Classification: Likely benign. Review status: no assertion criteria provided. Collection method: clinical testing. Allele origin: germline. Affected: yes. Study: VKGL Data-share Consensus. Not counted in ClinVar's aggregate classification.

Clinical Genetics, Academic Medical Center
Classification: Benign. Review status: no assertion criteria provided. Collection method: clinical testing. Allele origin: germline. Affected: yes. Study: VKGL Data-share Consensus. Not counted in ClinVar's aggregate classification.

Dr. Peter K. Rogan Lab, Western University
No classification provided (evidence only). Condition: Malignant tumor of esophagus. Review status: no classification provided. Collection method: in vitro. Allele origin: not applicable. Functional consequence: retained intron. Not counted in ClinVar's aggregate classification.

Joint Genome Diagnostic Labs from Nijmegen and Maastricht, Radboudumc and MUMC+
Classification: Likely benign. Review status: no assertion criteria provided. Collection method: clinical testing. Allele origin: germline. Affected: yes. Study: VKGL Data-share Consensus. Not counted in ClinVar's aggregate classification.

Literature cited by the submitters: PubMed 33106378 (cited by Women's Health and Genetics/Laboratory Corporation of America, LabCorp).